The following is an entry in ClinVar:

ClinVar aggregate classification (germline): Benign/Likely benign. Review status: criteria provided, multiple submitters, no conflicts (2 of 4 stars). 3 submissions from 3 submitters: Benign (1); Likely benign (2). Last evaluated 2026-04-21.

Conditions:
DICER1-related tumor predisposition. Also called: DICER1 syndrome; DICER1-related pleuropulmonary blastoma cancer predisposition syndrome. Identifiers: Orphanet 284343, MedGen C3839822, MONDO:0100216.
Hereditary cancer-predisposing syndrome. Also called: Neoplastic Syndromes, Hereditary; Tumor predisposition; Hereditary neoplastic syndrome; Hereditary Cancer Syndrome. Identifiers: Orphanet 140162, MedGen C0027672, MeSH D009386, MONDO:0015356.

Submissions (3):

Myriad Genetics, Inc.
Classification: Benign for DICER1-related tumor predisposition. Last evaluated: 2026-04-21. Review status: criteria provided, single submitter. Criteria: Myriad Autosomal Dominant, Autosomal Recessive and X-Linked Classification Criteria (2023). Collection method: clinical testing. Allele origin: unknown.
Comment: This variant is considered benign. This variant is a silent/synonymous amino acid change and it is not expected to impact splicing.

Labcorp Genetics (formerly Invitae), Labcorp
Classification: Likely benign for DICER1-related tumor predisposition. Last evaluated: 2024-02-26. Review status: criteria provided, single submitter. Criteria: Invitae Variant Classification Sherloc (09022015). Collection method: clinical testing. Allele origin: germline.

Ambry Genetics
Classification: Likely benign for Hereditary cancer-predisposing syndrome. Last evaluated: 2022-05-04. Review status: criteria provided, single submitter. Criteria: Ambry Variant Classification Scheme 2023. Collection method: clinical testing. Allele origin: germline.

NM_177438.3(DICER1):c.5724C>G (p.Ala1908=)

Gene: DICER1 (dicer 1, ribonuclease III; minus strand). Cytogenetic location: 14q32.13.
Variant type: single nucleotide variant.
Coding change: c.5724C>G on transcript NM_177438.3 (MANE Select); coding-DNA position 5724, C replaced by G.
Protein change: p.Ala1908=; no amino-acid change (alanine 1908 retained).
Molecular consequence: synonymous variant. On other transcripts: 3 prime UTR variant (1), non-coding transcript variant (6).
Genome position (GRCh38, 1-based): chr14:95,090,543, G>C on the plus strand (C>G on the coding strand, the complement: DICER1 is on the minus strand). VCF-style: chr14-95090543-G-C. GRCh37 (hg19) VCF-style: chr14-95556880-G-C.
Other names: c.*71C>G (NM_001195573.1); c.5724C>G, p.Ala1908= (NM_001271282.3, NM_001291628.2, NM_001395677.1 and 8 more transcripts); c.5442C>G, p.Ala1814= (NM_001395686.1); c.5319C>G, p.Ala1773= (NM_001395687.1, NM_001395688.1, NM_001395689.1 and 1 more transcripts); c.5157C>G, p.Ala1719= (NM_001395691.1); c.4041C>G, p.Ala1347= (NM_001395697.1).
Identifiers: ClinVar variation 1749297 (VCV001749297.6), dbSNP rs1165916168, ClinGen allele CA487625453.